The following is an entry in ClinVar:

NM_017849.4(TMEM127):c.418T>C (p.Cys140Arg)

Gene: TMEM127 (transmembrane protein 127; minus strand). Cytogenetic location: 2q11.2.
Variant type: single nucleotide variant.
Coding change: c.418T>C on transcript NM_017849.4 (MANE Select); coding-DNA position 418, T replaced by C.
Protein change: p.Cys140Arg; replaces cysteine 140 with arginine.
Molecular consequence: missense variant.
Genome position (GRCh38, 1-based): chr2:96,254,107, A>G on the plus strand (T>C on the coding strand, the complement: TMEM127 is on the minus strand). VCF-style: chr2-96254107-A-G. GRCh37 (hg19) VCF-style: chr2-96919845-A-G.
Other names: c.418T>C, p.Cys140Arg (NM_001193304.3); short protein forms C140R.
Identifiers: ClinVar variation 126970 (VCV000126970.2), dbSNP rs121908827, ClinGen allele CA269754.

ClinVar aggregate classification (germline): Likely pathogenic (0 of 4 stars; one submission).

Conditions:
Pheochromocytoma. Also called: MAX-Related Hereditary Paraganglioma-Pheochromocytoma Syndrome. Identifiers: Orphanet 29072, MedGen C0031511, MONDO:0008233, OMIM 171300, HP:0002666.

Submission:

Familial Cancer Clinic, Veneto Institute of Oncology
Classification: Likely pathogenic for Pheochromocytoma. Review status: no assertion criteria provided. Collection method: not provided. Allele origin: germline.
ClinVar note: Converted during submission from likely pathogenic - adrenal pheochromocytoma to Likely pathogenic.